The following is an entry in ClinVar:

NM_152641.4(ARID2):c.2168_2174del (p.Ile723fs)

Gene: ARID2 (AT-rich interaction domain 2; plus strand). Cytogenetic location: 12q12.
Variant type: Deletion.
Coding change: c.2168_2174del on transcript NM_152641.4 (MANE Select); coding-DNA positions 2168 to 2174, 7 bases deleted (TACCCCA; older notation c.2168_2174delTACCCCA).
Protein change: p.Ile723fs; shifts the reading frame from isoleucine 723.
Molecular consequence: frameshift variant.
Genome position (GRCh38, 1-based): chr12:45,850,291-45,850,297, TACCCCA deleted; deleting any 7 consecutive bases within chr12:45,850,288-45,850,297 gives the same sequence; the c. name uses the placement nearest the transcript's 3' end. VCF-style (leftmost placement, unchanged base first): chr12-45850287-TCCATACC-T. GRCh37 (hg19) VCF-style: chr12-46244070-TCCATACC-T.
Other names: c.2168_2174del, p.Ile723fs (NM_001347839.2); short protein forms I723fs.
Identifiers: ClinVar variation 3314491 (VCV003314491.1).
Genomic context (GRCh38, chr12:45,850,287, plus strand): 5'-GTCATTCAAAGTAAAGCTCCAATTCCTTGTGAAGTTGTTAAGGCTACAGTTATCCAGAAT[TCCATACC>T]CCAGACAGGAGTTCCTGTTAGTATTGCTGTTGGAGGAGGACCTCCACAGAGTTCTGTTGT-3'

ClinVar aggregate classification (germline): Pathogenic (1 of 4 stars; one submission).

Conditions:
Inborn genetic diseases. Identifiers: MedGen C0950123, MeSH D030342.

Submission:

Ambry Genetics
Classification: Pathogenic for Inborn genetic diseases. Last evaluated: 2024-05-28. Review status: criteria provided, single submitter. Criteria: Ambry Variant Classification Scheme 2023. Collection method: clinical testing. Allele origin: germline.
Comment: The c.2168_2174delTACCCCA (p.I723Rfs*33) alteration, located in exon 15 (coding exon 15) of the ARID2 gene, consists of a deletion of 7 nucleotides from position 2168 to 2174, causing a translational frameshift with a predicted alternate stop codon after 33 amino acids. This alteration is expected to result in loss of function by premature protein truncation or nonsense-mediated mRNA decay. This variant was not reported in population-based cohorts in the Genome Aggregation Database (gnomAD). Based on the available evidence, this alteration is classified as pathogenic.